The following is an entry in ClinVar:

NM_022051.3(EGLN1):c.662A>G (p.Gln221Arg)

Gene: EGLN1 (egl-9 family hypoxia inducible factor 1; minus strand). Cytogenetic location: 1q42.2.
Variant type: single nucleotide variant.
Coding change: c.662A>G on transcript NM_022051.3 (MANE Select); coding-DNA position 662, A replaced by G.
Protein change: p.Gln221Arg; replaces glutamine 221 with arginine.
Molecular consequence: missense variant.
Genome position (GRCh38, 1-based): chr1:231,421,227, T>C on the plus strand (A>G on the coding strand, the complement: EGLN1 is on the minus strand). VCF-style: chr1-231421227-T-C. GRCh37 (hg19) VCF-style: chr1-231556973-T-C.
Other names: c.662A>G, p.Gln221Arg (NM_001377260.1, NM_001377261.1); short protein forms Q221R.
Identifiers: ClinVar variation 2457246 (VCV002457246.3), dbSNP rs747914994, ClinGen allele CA1453123.

ClinVar aggregate classification (germline): Uncertain significance (1 of 4 stars; one submission).

Allele frequency attached by ClinVar (database versions not stated): gnomAD exomes below 0.00001; ExAC 0.00001.
gnomAD v4.1: 3 of 1,614,040 alleles (0.00019%); highest among the groups gnomAD compares: Non-Finnish European, 0.00025%; no homozygotes.

Submission:

Ambry Genetics
Classification: Uncertain significance. Last evaluated: 2025-08-08. Review status: criteria provided, single submitter. Criteria: Ambry Variant Classification Scheme 2023. Collection method: clinical testing. Allele origin: germline.
Comment: The p.Q221R variant (also known as c.662A>G), located in coding exon 1 of the EGLN1 gene, results from an A to G substitution at nucleotide position 662. The glutamine at codon 221 is replaced by arginine, an amino acid with highly similar properties. This amino acid position is conserved. In addition, this alteration is predicted to be tolerated by in silico analysis. Since supporting evidence is limited at this time, the clinical significance of this alteration remains unclear.